The following is an entry in ClinVar:

NM_001040142.2(SCN2A):c.5132C>G (p.Thr1711Arg)

Gene: SCN2A (sodium voltage-gated channel alpha subunit 2; plus strand). Cytogenetic location: 2q24.3.
Variant type: single nucleotide variant.
Coding change: c.5132C>G on transcript NM_001040142.2 (MANE Select); coding-DNA position 5132, C replaced by G.
Protein change: p.Thr1711Arg; replaces threonine 1711 with arginine.
Molecular consequence: missense variant.
Genome position (GRCh38, 1-based): chr2:165,388,938, C>G. VCF-style: chr2-165388938-C-G. GRCh37 (hg19) VCF-style: chr2-166245448-C-G.
Other names: c.5132C>G, p.Thr1711Arg (NM_001040143.2, NM_001371246.1, NM_001371247.1 and 1 more transcripts); short protein forms T1711R.
Identifiers: ClinVar variation 2944817 (VCV002944817.3), dbSNP rs2468158346, ClinGen allele CA349038278.

ClinVar aggregate classification (germline): Pathogenic (1 of 4 stars; one submission).

Conditions:
Seizures, benign familial infantile, 3 (BFIS3). Also called: CONVULSIONS, BENIGN FAMILIAL INFANTILE, 3; Familial neonatal seizures. Identifiers: Orphanet 140927, Orphanet 306, MedGen C1843140, MONDO:0011904, OMIM 607745.
Developmental and epileptic encephalopathy, 11 (DEE11). Also called: Early infantile epileptic encephalopathy 11. Identifiers: Orphanet 1934, MedGen C3150987, MONDO:0013388, OMIM 613721.

Submission:

Labcorp Genetics (formerly Invitae), Labcorp
Classification: Pathogenic for Seizures, benign familial infantile, 3; Developmental and epileptic encephalopathy, 11. Last evaluated: 2023-04-17. Review status: criteria provided, single submitter. Criteria: Invitae Variant Classification Sherloc (09022015). Collection method: clinical testing. Allele origin: germline.
Comment: This variant is not present in population databases (gnomAD no frequency). This missense change has been observed in individual(s) with SCN2A-related conditions (Invitae). In at least one individual the variant was observed to be de novo. Advanced modeling of protein sequence and biophysical properties (such as structural, functional, and spatial information, amino acid conservation, physicochemical variation, residue mobility, and thermodynamic stability) performed at Invitae indicates that this missense variant is expected to disrupt SCN2A protein function. For these reasons, this variant has been classified as Pathogenic. This sequence change replaces threonine, which is neutral and polar, with arginine, which is basic and polar, at codon 1711 of the SCN2A protein (p.Thr1711Arg).